The following is an entry in ClinVar:

NM_000038.6(APC):c.1169T>C (p.Ile390Thr)

Gene: APC (APC regulator of Wnt signaling pathway; plus strand). Cytogenetic location: 5q22.2.
Variant type: single nucleotide variant.
Coding change: c.1169T>C on transcript NM_000038.6 (MANE Select); coding-DNA position 1169, T replaced by C.
Protein change: p.Ile390Thr; replaces isoleucine 390 with threonine.
Molecular consequence: missense variant. On other transcripts: intron variant (4).
Genome position (GRCh38, 1-based): chr5:112,819,201, T>C. VCF-style: chr5-112819201-T-C. GRCh37 (hg19) VCF-style: chr5-112154898-T-C.
Other names: c.1169T>C, p.Ile390Thr (NM_001127510.3, NM_001354895.2, NM_001354896.2); c.1115T>C, p.Ile372Thr (NM_001127511.3); c.1199T>C, p.Ile400Thr (NM_001354897.2); c.1094T>C, p.Ile365Thr (NM_001354898.2); c.1085T>C, p.Ile362Thr (NM_001354899.2); c.992T>C, p.Ile331Thr (NM_001354900.2, NM_001354901.2); c.320T>C, p.Ile107Thr (NM_001354906.2); c.964-68T>C (NM_001354902.2); and 3 more; short protein forms I362T, I365T, I390T, I107T, I331T, I400T, I372T.
Identifiers: ClinVar variation 818480 (VCV000818480.5), dbSNP rs1580530059, ClinGen allele CA16023866.
Genomic context (GRCh38, chr5:112,819,201, plus strand): 5'-TGGGAAATTCCCGGGGCAGTAAAGAGGCTCGGGCCAGGGCCAGTGCAGCACTCCACAACA[T>C]CATTCACTCACAGCCTGATGACAAGAGAGGCAGGCGTGAAATCCGAGTCCTTCATCTTTT-3'
Protein context (NP_000029.2, residues 380-400): RARASAALHN[Ile390Thr]IHSQPDDKRG

ClinVar aggregate classification (germline): Uncertain significance (1 of 4 stars; one submission).

Conditions:
Hereditary cancer-predisposing syndrome. Also called: Tumor predisposition; Hereditary neoplastic syndrome; Neoplastic Syndromes, Hereditary; Hereditary Cancer Syndrome. Identifiers: Orphanet 140162, MedGen C0027672, MeSH D009386, MONDO:0015356.

Submission:

Ambry Genetics
Classification: Uncertain significance for Hereditary cancer-predisposing syndrome. Last evaluated: 2025-08-04. Review status: criteria provided, single submitter. Criteria: Ambry Variant Classification Scheme 2023. Collection method: clinical testing. Allele origin: germline.
Comment: The p.I390T variant (also known as c.1169T>C), located in coding exon 9 of the APC gene, results from a T to C substitution at nucleotide position 1169. The isoleucine at codon 390 is replaced by threonine, an amino acid with similar properties. This amino acid position is highly conserved in available vertebrate species. In addition, in silico predictors for this gene do not accurately predict pathogenicity. Missense alterations in APC are not a common cause of disease (Spier I et al. Genet Med. 2024 Feb;26(2):100992). Based on the available evidence, the clinical significance of this variant remains unclear.